The following is an entry in ClinVar:

NC_000001.11:g.(?_11960646)_(11960767_?)del

Gene: PLOD1 (procollagen-lysine,2-oxoglutarate 5-dioxygenase 1; plus strand). Cytogenetic location: 1p36.22.
Variant type: Deletion.
Identifiers: ClinVar variation 3247665 (VCV003247665.1).

ClinVar aggregate classification (germline): Pathogenic (1 of 4 stars; one submission).

Conditions:
Ehlers-Danlos syndrome, kyphoscoliotic type 1 (EDSKSCL1). Also called: EHLERS-DANLOS SYNDROME, TYPE VIA; Ehlers-Danlos syndrome, hydroxylysine-deficient; EHLERS-DANLOS SYNDROME, OCULAR-SCOLIOTIC TYPE; PLOD1-Related Kyphoscoliotic Ehlers-Danlos Syndrome. Identifiers: Orphanet 1900, MedGen C0268342, MONDO:0016002, OMIM 225400. Disease mechanism: loss of function.

Submission:

Labcorp Genetics (formerly Invitae), Labcorp
Classification: Pathogenic for Ehlers-Danlos syndrome, kyphoscoliotic type 1. Last evaluated: 2023-10-11. Review status: criteria provided, single submitter. Criteria: Invitae Variant Classification Sherloc (09022015). Collection method: clinical testing. Allele origin: unknown.
Comment: This variant is a gross deletion of the genomic region encompassing exon(s) 10 of the PLOD1 gene. This deletion is out-of-frame, and is expected to create a premature termination codon and result in an absent or disrupted protein product. Loss-of-function variants in PLOD1 are known to be pathogenic (PMID: 10874315, 21699693). This variant has not been reported in the literature in individuals affected with PLOD1-related conditions. For these reasons, this variant has been classified as Pathogenic.

Literature cited by the submitters: PubMed 10874315; PubMed 21699693.